The following is an entry in ClinVar:

ClinVar aggregate classification (germline): Uncertain significance (1 of 4 stars; one submission).

Allele frequency attached by ClinVar (database versions not stated): TOPMed below 0.00001.

Submission:

GeneDx
Classification: Uncertain significance. Last evaluated: 2024-01-02. Review status: criteria provided, single submitter. Criteria: GeneDx Variant Classification Process June 2021. Collection method: clinical testing. Allele origin: germline. Affected: yes.
Comment: Not observed at significant frequency in large population cohorts (gnomAD); In silico analysis supports that this missense variant has a deleterious effect on protein structure/function; Has not been previously published as pathogenic or benign to our knowledge

NM_153252.5(BRWD3):c.379A>G (p.Arg127Gly)

Gene: BRWD3 (bromodomain and WD repeat domain containing 3; minus strand). Cytogenetic location: Xq21.1.
Variant type: single nucleotide variant.
Coding change: c.379A>G on transcript NM_153252.5 (MANE Select); coding-DNA position 379, A replaced by G.
Protein change: p.Arg127Gly; replaces arginine 127 with glycine.
Molecular consequence: missense variant.
Genome position (GRCh38, 1-based): chrX:80,791,905, T>C on the plus strand (A>G on the coding strand, the complement: BRWD3 is on the minus strand). VCF-style: chrX-80791905-T-C. GRCh37 (hg19) VCF-style: chrX-80047404-T-C.
Other names: short protein forms R127G.
Identifiers: ClinVar variation 2442786 (VCV002442786.2), dbSNP rs2074186048, ClinGen allele CA413612505.